The following is an entry in ClinVar:

NM_000368.5(TSC1):c.1538_1997+108del

Gene: TSC1 (TSC complex subunit 1; minus strand). Cytogenetic location: 9q34.13.
Variant type: Deletion.
Coding change: c.1538_1997+108del on transcript NM_000368.5 (MANE Select); coding-DNA position 1538 through 108 bases into the intron after coding-DNA position 1997, 568 bases deleted.
Molecular consequence: splice donor variant.
Genome position (GRCh38, 1-based): chr9:132,905,473-132,906,040, 568 bases deleted. GRCh37 (hg19): chr9:135,780,861-135,781,428.
Other names: c.1172_1631+108del (NM_001406620.1, NM_001406625.1, NM_001406621.1 and 2 more transcripts); c.1175_1634+108del (NM_001406618.1, NM_001406617.1, NM_001406619.1 and 5 more transcripts); c.1382_1841+108del (NM_001406613.1, NM_001406612.1, NM_001406611.1); c.1385_1844+108del (NM_001406610.1, NM_001162427.2); c.584_1043+108del (NM_001406627.1, NM_001406628.1); c.485_944+108del (NM_001406629.1, NM_001406630.1); c.1535_1994+108del (NM_001406603.1, NM_001406609.1, NM_001406597.1 and 6 more transcripts); c.1538_1997+108del (NM_001406602.1, NM_001406606.1, NM_001406592.1 and 7 more transcripts); and 1 more.
Identifiers: ClinVar variation 2827267 (VCV002827267.3), dbSNP rs2538693976, ClinGen allele CA2739264830.

ClinVar aggregate classification (germline): Pathogenic (1 of 4 stars; one submission).

Conditions:
Tuberous sclerosis 1 (TSC1). Identifiers: Orphanet 805, MedGen C1854465, MONDO:0008612, OMIM 191100.

Submission:

Labcorp Genetics (formerly Invitae), Labcorp
Classification: Pathogenic for Tuberous sclerosis 1. Last evaluated: 2023-07-07. Review status: criteria provided, single submitter. Criteria: Invitae Variant Classification Sherloc (09022015). Collection method: clinical testing. Allele origin: germline.
Comment: This variant results in the deletion of part of exon 15 (c.1538_1997+108del) of the TSC1 gene. RNA analysis indicates that this variant induces altered splicing and may result in an absent or disrupted protein product. This variant is not present in population databases (gnomAD no frequency). This variant has been observed in individual(s) with clinical features of tuberous sclerosis complex (Invitae). In at least one individual the variant was observed to be de novo. Studies have shown that this variant results in skipping of exon 15 and introduces a premature termination codon (Invitae). The resulting mRNA is expected to undergo nonsense-mediated decay. For these reasons, this variant has been classified as Pathogenic.